The following is an entry in ClinVar:

ClinVar aggregate classification (germline): Uncertain significance. Review status: criteria provided, multiple submitters, no conflicts (2 of 4 stars). 2 submissions from 2 submitters: Uncertain significance (2). Last evaluated 2022-11-03.

Conditions:
Inborn genetic diseases. Identifiers: MedGen C0950123, MeSH D030342.

Allele frequency attached by ClinVar (database versions not stated): gnomAD exomes 0.00003; TOPMed 0.00002; ExAC 0.00002.
gnomAD v4.1: 23 of 1,613,190 alleles (0.0014%); highest among the groups gnomAD compares: Admixed American, 0.012%; no homozygotes.

Submissions (2):

Ambry Genetics
Classification: Uncertain significance for Inborn genetic diseases. Last evaluated: 2022-11-03. Review status: criteria provided, single submitter. Criteria: Ambry Variant Classification Scheme 2023. Collection method: clinical testing. Allele origin: germline.

Labcorp Genetics (formerly Invitae), Labcorp
Classification: Uncertain significance. Last evaluated: 2022-02-25. Review status: criteria provided, single submitter. Criteria: Invitae Variant Classification Sherloc (09022015). Collection method: clinical testing. Allele origin: germline.
Comment: This sequence change replaces arginine, which is basic and polar, with cysteine, which is neutral and slightly polar, at codon 4303 of the HSPG2 protein (p.Arg4303Cys). This variant is present in population databases (rs761987723, gnomAD 0.02%). This variant has not been reported in the literature in individuals affected with HSPG2-related conditions. Algorithms developed to predict the effect of missense changes on protein structure and function are either unavailable or do not agree on the potential impact of this missense change (SIFT: "Deleterious"; PolyPhen-2: "Probably Damaging"; Align-GVGD: "Class C0"). In summary, the available evidence is currently insufficient to determine the role of this variant in disease. Therefore, it has been classified as a Variant of Uncertain Significance.

NM_005529.7(HSPG2):c.12907C>T (p.Arg4303Cys)

Genes: LDLRAD2 (low density lipoprotein receptor class A domain containing 2; plus strand), HSPG2 (heparan sulfate proteoglycan 2; minus strand). Cytogenetic location: 1p36.12.
Variant type: single nucleotide variant.
Coding change: c.12907C>T on transcript NM_005529.7 (MANE Select); coding-DNA position 12907, C replaced by T.
Protein change: p.Arg4303Cys; replaces arginine 4303 with cysteine.
Molecular consequence: missense variant. On other transcripts: 3 prime UTR variant (1).
Genome position (GRCh38, 1-based): chr1:21,823,712, G>A on the plus strand (C>T on the coding strand, the complement: HSPG2 is on the minus strand). VCF-style: chr1-21823712-G-A. GRCh37 (hg19) VCF-style: chr1-22150205-G-A.
Other names: c.12910C>T, p.Arg4304Cys (NM_001291860.2); c.*1497G>A (NM_001013693.3); short protein forms R4303C, R4304C.
Identifiers: ClinVar variation 1501326 (VCV001501326.4), dbSNP rs761987723, ClinGen allele CA669215.